The following is an entry in ClinVar:

ClinVar aggregate classification (germline): Pathogenic. Review status: criteria provided, multiple submitters, no conflicts (2 of 4 stars). 2 submissions from 2 submitters: Pathogenic (2). Last evaluated 2025-08-09.

Conditions:
Hereditary cancer-predisposing syndrome. Also called: Neoplastic Syndromes, Hereditary; Hereditary neoplastic syndrome; Tumor predisposition; Hereditary Cancer Syndrome. Identifiers: Orphanet 140162, MedGen C0027672, MeSH D009386, MONDO:0015356.
Cardiovascular phenotype. Identifiers: MedGen CN230736.
Neurofibromatosis, type 1 (NF1). Also called: VON RECKLINGHAUSEN DISEASE; Peripheral type neurofibromatosis; NEUROFIBROMATOSIS, TYPE I, SOMATIC; Neurofibromatosis, type I. Identifiers: Orphanet 636, MedGen C0027831, MONDO:0018975, OMIM 162200. Disease mechanism: loss of function.

Submissions (3):

Labcorp Genetics (formerly Invitae), Labcorp
Classification: Pathogenic for Neurofibromatosis, type 1. Last evaluated: 2025-08-09. Review status: criteria provided, single submitter. Criteria: Invitae Variant Classification Sherloc (09022015). Collection method: clinical testing. Allele origin: germline.
Comment: This sequence change affects an acceptor splice site in intron 29 of the NF1 gene. RNA analysis indicates that disruption of this splice site induces altered splicing and may result in an absent or altered protein product. This variant is not present in population databases (gnomAD no frequency). Disruption of this splice site has been observed in individuals with clinical features of neurofibromatosis type 1 (PMID: 16944272, 25074460; internal data). Invitae Evidence Modeling of clinical and family history, age, sex, and reported ancestry of multiple individuals with this NF1 variant has been performed. This variant is expected to be pathogenic with a positive predictive value of at least 99%. This is a validated machine learning model that incorporates the clinical features of 1,785,918 individuals referred to our laboratory for NF1 testing. ClinVar contains an entry for this variant (Variation ID: 1073774). Studies have shown that disruption of this splice site results in skipping of exon 30 (also known as 23.2), and produces a non-functional protein and/or introduces a premature termination codon (PMID: 10712197). For these reasons, this variant has been classified as Pathogenic.

Ambry Genetics
Classification: Pathogenic for Cardiovascular phenotype; Hereditary cancer-predisposing syndrome. Last evaluated: 2025-08-08. Review status: criteria provided, single submitter. Criteria: Ambry Variant Classification Scheme 2023. Collection method: clinical testing. Allele origin: germline.
Comment: The c.3975-1G>A intronic pathogenic mutation results from a G to A substitution one nucleotide upstream from coding exon 30 of the NF1 gene. This variant was reported in individual(s) with features consistent with neurofibromatosis type 1 (Pasmant E et al. Eur J Hum Genet, 2015 May;23:596-601). This nucleotide position is highly conserved in available vertebrate species. In silico splice site analysis predicts that this alteration will weaken the native splice acceptor site and will result in the creation or strengthening of a novel splice acceptor site. RNA studies have demonstrated that this alteration results in abnormal splicing in the set of samples tested (Ambry internal data). Other variant(s) impacting the same acceptor site (c.3975-2A>G) have been shown to have a similar impact on splicing in individual(s) with features consistent with neurofibromatosis type 1 (Upadhyaya M et al. Hum Genet, 1997 Jan;99:88-92; Fahsold R et al. Am J Hum Genet, 2000 Mar;66:790-818; Ars E et al. J Med Genet, 2003 Jun;40:e82; Griffiths S et al. Fam Cancer, 2007;6:21-34; Pros E et al. Hum Mutat, 2008 Sep;29:E173-93; Ambry internal data). c.3975-1G>A is considered to be rare based on population cohorts in the Genome Aggregation Database (gnomAD). Based on the supporting evidence, this variant is interpreted as a disease-causing mutation.

Dr. Peter K. Rogan Lab, Western University
No classification provided (evidence only). Condition: Ovarian serous cystadenocarcinoma. Review status: no classification provided. Collection method: in vitro. Allele origin: not applicable. Functional consequence: retained intron. Not counted in ClinVar's aggregate classification.

Literature cited by the submitters: PubMed 16944272 (cited by Labcorp Genetics (formerly Invitae), Labcorp); PubMed 25074460 (cited by Labcorp Genetics (formerly Invitae), Labcorp and Ambry Genetics); PubMed 10712197 (cited by Labcorp Genetics (formerly Invitae), Labcorp).

NM_001042492.3(NF1):c.3975-1G>A

Gene: NF1 (neurofibromin 1; plus strand). Cytogenetic location: 17q11.2.
Variant type: single nucleotide variant.
Coding change: c.3975-1G>A on transcript NM_001042492.3 (MANE Select); the canonical splice acceptor site of the intron before coding-DNA position 3975, G replaced by A.
Molecular consequence: splice acceptor variant.
Genome position (GRCh38, 1-based): chr17:31,248,983, G>A. VCF-style: chr17-31248983-G-A. GRCh37 (hg19) VCF-style: chr17-29576001-G-A.
Other names: c.3975-1G>A (NM_000267.4).
Identifiers: ClinVar variation 1073774 (VCV001073774.9), dbSNP rs1060500370, ClinGen allele CA398994803.